The following is an entry in ClinVar:

NM_003722.5(TP63):c.1570G>A (p.Ala524Thr)

Gene: TP63 (tumor protein p63; plus strand). Cytogenetic location: 3q28.
Variant type: single nucleotide variant.
Coding change: c.1570G>A on transcript NM_003722.5 (MANE Select); coding-DNA position 1570, G replaced by A.
Protein change: p.Ala524Thr; replaces alanine 524 with threonine.
Molecular consequence: missense variant. On other transcripts: intron variant (4).
Genome position (GRCh38, 1-based): chr3:189,889,402, G>A. VCF-style: chr3-189889402-G-A. GRCh37 (hg19) VCF-style: chr3-189607191-G-A.
Other names: p.Ala524Thr; c.1570G>A, p.Ala524Thr (NM_001114978.2); c.1288G>A, p.Ala430Thr (NM_001114980.2, NM_001114981.2); c.1033G>A, p.Ala345Thr (NM_001329146.2); c.1558G>A, p.Ala520Thr (NM_001329148.2); c.1564G>A, p.Ala522Thr (NM_001329964.2); c.1507+2851G>A (NM_001329144.2); c.1225+2851G>A (NM_001329145.2); and 2 more; short protein forms A522T, A430T, A520T, A524T, A345T.
Identifiers: ClinVar variation 1477850 (VCV001477850.6), dbSNP rs1403304957, ClinGen allele CA355758343.

ClinVar aggregate classification (germline): Uncertain significance. Review status: criteria provided, multiple submitters, no conflicts (2 of 4 stars). 2 submissions from 2 submitters: Uncertain significance (2). Last evaluated 2022-11-24.

Conditions:
TP63-Related Spectrum Disorders.
ADULT syndrome. Also called: ACRO-DERMATO-UNGUAL-LACRIMAL-TOOTH SYNDROME; Acro-dermato-ungual-lacrimal-tooth (adult) syndrome; Acro-Dermo-Ungual-Lacrimal-Tooth Syndrome (ADULT Syndrome). Identifiers: Orphanet 978, MedGen C1863204, MONDO:0007072, OMIM 103285.

Allele frequency attached by ClinVar (database versions not stated): gnomAD exomes below 0.00001 and 0.00001.
gnomAD v4.1: 3 of 1,613,990 alleles (0.00019%); highest among the groups gnomAD compares: South Asian, 0.0022%; no homozygotes.

Submissions (2):

Foundation for Research in Genetics and Endocrinology, FRIGE's Institute of Human Genetics
Classification: Uncertain significance for ADULT syndrome. Last evaluated: 2022-11-24. Review status: criteria provided, single submitter. Criteria: ACMG Guidelines, 2015. Collection method: clinical testing. Allele origin: germline. Inheritance: Autosomal dominant inheritance. Affected: yes. Observed: 1 heterozygote.
Comment: A heterozygous missense variation in exon 12 of the TP63 gene that results in the amino acid substitution of Threonine for Alanine at codon 524 (p.Ala524Thr) was detected. This variant has not been reported in the 1000 genomes and gnomAD databases. The reference codon is conserved across species. In summary, the variant meets our criteria to be classified as uncertain significance.

Labcorp Genetics (formerly Invitae), Labcorp
Classification: Uncertain significance. Last evaluated: 2021-08-10. Review status: criteria provided, single submitter. Criteria: Invitae Variant Classification Sherloc (09022015). Collection method: clinical testing. Allele origin: germline.
Comment: In summary, the available evidence is currently insufficient to determine the role of this variant in disease. Therefore, it has been classified as a Variant of Uncertain Significance. Algorithms developed to predict the effect of missense changes on protein structure and function output the following: SIFT: "Deleterious"; PolyPhen-2: "Benign"; Align-GVGD: "Class C0". The threonine amino acid residue is found in multiple mammalian species, which suggests that this missense change does not adversely affect protein function. This variant has not been reported in the literature in individuals affected with TP63-related conditions. This variant is not present in population databases (ExAC no frequency). This sequence change replaces alanine with threonine at codon 524 of the TP63 protein (p.Ala524Thr). The alanine residue is highly conserved and there is a small physicochemical difference between alanine and threonine.